The following is an entry in ClinVar:

ClinVar aggregate classification (germline): Uncertain significance (1 of 4 stars; one submission).

Submission:

Greenwood Genetic Center Diagnostic Laboratories, Greenwood Genetic Center
Classification: Uncertain significance. Last evaluated: 2021-10-07. Review status: criteria provided, single submitter. Criteria: ACMG Guidelines, 2015. Collection method: clinical testing. Allele origin: germline. Affected: yes.
Comment: PP3, PM1, PM2

NM_001257096.2(PAX1):c.431A>G (p.His144Arg)

Gene: PAX1 (paired box 1; plus strand). Cytogenetic location: 20p11.22.
Variant type: single nucleotide variant.
Coding change: c.431A>G on transcript NM_001257096.2 (MANE Select); coding-DNA position 431, A replaced by G.
Protein change: p.His144Arg; replaces histidine 144 with arginine.
Molecular consequence: missense variant.
Genome position (GRCh38, 1-based): chr20:21,706,582, A>G. VCF-style: chr20-21706582-A-G. GRCh37 (hg19) VCF-style: chr20-21687220-A-G.
Other names: c.431A>G, p.His144Arg (NM_006192.5); short protein forms H144R.
Identifiers: ClinVar variation 1334616 (VCV001334616.4), dbSNP rs2122133155, ClinGen allele CA408497957.